The following is an entry in ClinVar:

ClinVar aggregate classification (germline): Uncertain significance (1 of 4 stars; one submission).

gnomAD v4.1: 2 of 1,612,700 alleles (0.00012%); highest among the groups gnomAD compares: Non-Finnish European, 0.00017%; no homozygotes.

Submission:

Labcorp Genetics (formerly Invitae), Labcorp
Classification: Uncertain significance. Last evaluated: 2025-06-02. Review status: criteria provided, single submitter. Criteria: Invitae Variant Classification Sherloc (09022015). Collection method: clinical testing. Allele origin: germline.
Comment: This sequence change replaces cysteine, which is neutral and slightly polar, with tyrosine, which is neutral and polar, at codon 852 of the PDE6B protein (p.Cys852Tyr). This variant is not present in population databases (gnomAD no frequency). This variant has not been reported in the literature in individuals affected with PDE6B-related conditions. Invitae Evidence Modeling of protein sequence and biophysical properties (such as structural, functional, and spatial information, amino acid conservation, physicochemical variation, residue mobility, and thermodynamic stability) has been performed for this missense variant. However, the output from this modeling did not meet the statistical confidence thresholds required to predict the impact of this variant on PDE6B protein function. In summary, the available evidence is currently insufficient to determine the role of this variant in disease. Therefore, it has been classified as a Variant of Uncertain Significance.

NM_000283.4(PDE6B):c.2555G>A (p.Cys852Tyr)

Gene: PDE6B (phosphodiesterase 6B; plus strand). Cytogenetic location: 4p16.3.
Variant type: single nucleotide variant.
Coding change: c.2555G>A on transcript NM_000283.4 (MANE Select); coding-DNA position 2555, G replaced by A.
Protein change: p.Cys852Tyr; replaces cysteine 852 with tyrosine.
Molecular consequence: missense variant. On other transcripts: synonymous variant (3), 3 prime UTR variant (1).
Genome position (GRCh38, 1-based): chr4:670,097, G>A. VCF-style: chr4-670097-G-A. GRCh37 (hg19) VCF-style: chr4-663886-G-A.
Other names: c.2552G>A, p.Cys851Tyr (NM_001145291.2); c.1718G>A, p.Cys573Tyr (NM_001145292.2, NM_001379246.1, NM_001379247.1); c.1653G>A, p.Leu551= (NM_001350154.3); c.1335G>A, p.Leu445= (NM_001350155.3); c.2490G>A, p.Leu830= (NM_001440547.1); c.*49G>A (NM_001440548.1); short protein forms C851Y, C573Y, C852Y.
Identifiers: ClinVar variation 4741167 (VCV004741167.1).
Genomic context (GRCh38, chr4:670,097, plus strand): 5'-CTCTTGCAGTAGGCACAGAAATTTGCAATGGCGGCCCAGCACCCAAGTCTTCAACCTGCT[G>A]TATCCTGTGAGCACTGGTCCCATGGGGACCCTATGGCTCCCTCAATCTTCACCCACTAGG-3'
Protein context (NP_000274.3, residues 842-854): GGPAPKSSTC[Cys852Tyr]IL